The following is an entry in ClinVar:

NM_003823.4(TNFRSF6B):c.122C>T (p.Ala41Val)

Genes: RTEL1-TNFRSF6B (RTEL1-TNFRSF6B readthrough (NMD candidate); plus strand), TNFRSF6B (TNF receptor superfamily member 6b; plus strand). Cytogenetic location: 20q13.33.
Variant type: single nucleotide variant.
Coding change: c.122C>T on transcript NM_003823.4 (MANE Select); coding-DNA position 122, C replaced by T.
Protein change: p.Ala41Val; replaces alanine 41 with valine.
Molecular consequence: missense variant. On other transcripts: non-coding transcript variant (1).
Genome position (GRCh38, 1-based): chr20:63,696,889, C>T. VCF-style: chr20-63696889-C-T. GRCh37 (hg19) VCF-style: chr20-62328242-C-T.
Other names: short protein forms A41V.
Identifiers: ClinVar variation 4761348 (VCV004761348.1).
Genomic context (GRCh38, chr20:63,696,889, plus strand): 5'-TGCTGCCGGTGCCGGCTGTACGCGGAGTGGCAGAAACACCCACCTACCCCTGGCGGGACG[C>T]AGAGACAGGGGAGCGGCTGGTGTGCGCCCAGTGCCCCCCAGGCACCTTTGTGCAGCGGCC-3'
Protein context (NP_003814.1, residues 31-51): AETPTYPWRD[Ala41Val]ETGERLVCAQ

ClinVar aggregate classification (germline): Uncertain significance (1 of 4 stars; one submission).

Submission:

Labcorp Genetics (formerly Invitae), Labcorp
Classification: Uncertain significance. Last evaluated: 2025-02-20. Review status: criteria provided, single submitter. Criteria: Invitae Variant Classification Sherloc (09022015). Collection method: clinical testing. Allele origin: germline.
Comment: This sequence change replaces alanine, which is neutral and non-polar, with valine, which is neutral and non-polar, at codon 41 of the TNFRSF6B protein (p.Ala41Val). This variant is not present in population databases (gnomAD no frequency). This variant has not been reported in the literature in individuals affected with TNFRSF6B-related conditions. An algorithm developed to predict the effect of missense changes on protein structure and function outputs the following: PolyPhen-2: "Benign". The valine amino acid residue is found in multiple mammalian species, which suggests that this missense change does not adversely affect protein function. In summary, the available evidence is currently insufficient to determine the role of this variant in disease. Therefore, it has been classified as a Variant of Uncertain Significance.